The following is an entry in ClinVar:

ClinVar aggregate classification (germline): Pathogenic (1 of 4 stars; one submission).

Conditions:
Exostoses, multiple, type 1 (EXT1). Also called: Hereditary Multiple Osteochondromatosis, Type I; EXOSTOSES, MULTIPLE, TYPE I. Identifiers: MedGen CN263289, MONDO:0007585, OMIM 133700.

Submission:

3billion
Classification: Pathogenic for Exostoses, multiple, type 1. Last evaluated: 2025-08-09. Review status: criteria provided, single submitter. Criteria: ACMG Guidelines, 2015. Collection method: clinical testing. Allele origin: germline. Affected: yes.
Comment: The variant is not observed in the gnomAD v4.1.0 dataset. Predicted Consequence/Location: Frameshift: predicted to result in a loss or disruption of normal protein function through nonsense-mediated decay (NMD) or protein truncation. Multiple pathogenic variants are reported downstream of the variant. The variant has been reported to be associated with EXT1-related disorder (PMID: 35806987). Therefore, this variant is classified as Pathogenic according to the recommendation of ACMG/AMP guideline.

Literature cited by the submitters: PubMed 35806987.

NM_000127.3(EXT1):c.89_95del (p.Ala30fs)

Gene: EXT1 (exostosin glycosyltransferase 1; minus strand). Cytogenetic location: 8q24.11.
Variant type: Deletion.
Coding change: c.89_95del on transcript NM_000127.3 (MANE Select); coding-DNA positions 89 to 95, 7 bases deleted (CATCGAG; older notation c.89_95delCATCGAG).
Protein change: p.Ala30fs; shifts the reading frame from alanine 30.
Molecular consequence: frameshift variant.
Genome position (GRCh38, 1-based): chr8:118,110,952-118,110,958, CTCGATG deleted on the plus strand (CATCGAG on the coding strand, the reverse complement: EXT1 is on the minus strand); deleting any 7 consecutive bases within chr8:118,110,952-118,110,959 gives the same sequence; the c. name uses the placement nearest the transcript's 3' end. VCF-style (leftmost placement, unchanged base first): chr8-118110951-CCTCGATG-C. GRCh37 (hg19) VCF-style: chr8-119123190-CCTCGATG-C.
Other names: short protein forms A30fs.
Identifiers: ClinVar variation 4854391 (VCV004854391.1).